The following is an entry in ClinVar:

NM_001386135.1(AFF3):c.-64-304GGC[145]

Genes: AFF3 (ALF transcription elongation factor 3; minus strand), FRA2A (fragile site, folic acid type, rare, fra(2)(q11.2); plus strand). Cytogenetic location: 2q11.2.
Variant type: Microsatellite.
Coding change: c.-64-304GGC[145] on transcript NM_001386135.1 (MANE Select); 145 copies in a row of the 3-base unit GGC starting at c.-64-304.
Molecular consequence: intron variant.
Genome position: GRCh38, VCF-style position (the base before the change): chr2:100,104,798. GRCh37 (hg19), VCF-style position (the base before the change): chr2:100,721,260.
Other names: FRA2A GCC repeat expansion; NM_001386135.1:c.-64-281_-64-280ins(GGC)137; c.-64-304GGC[145] (NM_002285.3, NM_001025108.2).
Identifiers: ClinVar variation 5042737 (VCV005042737.1).

ClinVar aggregate classification (germline): Likely pathogenic (1 of 4 stars; one submission).

Conditions:
AFF3-Related Intellectual disability.

Submission:

Systems Biology Laboratory, Department of Convergent Bioscience and Informatics, Chungnam National University
Classification: Likely pathogenic for AFF3-Related Intellectual disability. Last evaluated: 2026-10-01. Review status: criteria provided, single submitter. Criteria: ACMG Guidelines, 2015. Collection method: research. Allele origin: unknown. Inheritance: Autosomal dominant inheritance. Affected: yes. Observed: 1 variant allele, 1 heterozygote.
Comment: Locus-specific classification of a methylated full-mutation GCC expansion at the FRA2A locus (AFF3 5-prime region). (GCC)145 allele, far beyond the polymorphic range (99% of control alleles have 38 or fewer copies) and above the 60-copy threshold used to define expansions (PMID:39313615). Expansions of 61 or more copies are enriched 3.9-fold in unsolved probands with intellectual disability versus controls (P=0.002; PMID:39313615), and methylated expansions silence AFF3 (PMID:24763282). Penetrance of AFF3 expansions is incomplete (PMID:39313615). Under the points framework the available evidence corresponds to PS4_Moderate, PS3_Supporting and PM2_Supporting; the classification follows locus-specific evidence for methylated AFF3 expansions.

Literature cited by the submitters: PubMed 39313615; PubMed 24763282.